The following is an entry in ClinVar:

NM_152547.5(BTNL9):c.136C>G (p.Pro46Ala)

Gene: BTNL9 (butyrophilin like 9; plus strand). Cytogenetic location: 5q35.3.
Variant type: single nucleotide variant.
Coding change: c.136C>G on transcript NM_152547.5 (MANE Select); coding-DNA position 136, C replaced by G.
Protein change: p.Pro46Ala; replaces proline 46 with alanine.
Molecular consequence: missense variant.
Genome position (GRCh38, 1-based): chr5:181,047,953, C>G. VCF-style: chr5-181047953-C-G. GRCh37 (hg19) VCF-style: chr5-180474953-C-G.
Other names: c.136C>G, p.Pro46Ala (NM_001308245.2); short protein forms P46A.
Identifiers: ClinVar variation 4647054 (VCV004647054.1).

ClinVar aggregate classification (germline): Uncertain significance (1 of 4 stars; one submission).

Submission:

Ambry Genetics
Classification: Uncertain significance. Last evaluated: 2025-10-07. Review status: criteria provided, single submitter. Criteria: Ambry Variant Classification Scheme 2023. Collection method: clinical testing. Allele origin: germline.
Comment: The c.136C>G (p.P46A) alteration is located in exon 3 (coding exon 2) of the BTNL9 gene. This alteration results from a C to G substitution at nucleotide position 136, causing the proline (P) at amino acid position 46 to be replaced by an alanine (A). Based on data from gnomAD, the G allele has an overall frequency of <0.001% (1/250314) total alleles studied. The highest observed frequency was 0.006% (1/16170) of African alleles. Based on insufficient or conflicting evidence, the clinical significance of this alteration remains unclear.